The following is an entry in ClinVar:

NC_000017.10:g.(?_40353756)_(40384145_?)dup

Gene: STAT5B (signal transducer and activator of transcription 5B; minus strand). Cytogenetic location: 17q21.2.
Variant type: Duplication.
Identifiers: ClinVar variation 3243052 (VCV003243052.1).

ClinVar aggregate classification (germline): Uncertain significance (1 of 4 stars; one submission).

Conditions:
Growth hormone insensitivity with immune dysregulation 1, autosomal recessive. Also called: GROWTH HORMONE INSENSITIVITY DUE TO POSTRECEPTOR DEFECT; LARON SYNDROME DUE TO POSTRECEPTOR DEFECT; Laron syndrome with immunodeficiency; GROWTH HORMONE INSENSITIVITY SYNDROME WITH IMMUNE DYSREGULATION 1, AUTOSOMAL RECESSIVE. Identifiers: Orphanet 220465, MedGen C5435698, MONDO:0100211, OMIM 245590.

Submission:

Labcorp Genetics (formerly Invitae), Labcorp
Classification: Uncertain significance for Growth hormone insensitivity with immune dysregulation 1, autosomal recessive. Last evaluated: 2023-12-01. Review status: criteria provided, single submitter. Criteria: Invitae Variant Classification Sherloc (09022015). Collection method: clinical testing. Allele origin: unknown.
Comment: A copy number gain of the genomic region encompassing the full coding sequence of the STAT5B gene has been identified. The boundaries of this event are unknown as they extend beyond the assayed region for this gene and therefore may encompass additional genes. As the precise location of this event is unknown, it may be in tandem or it may be located elsewhere in the genome. This variant has not been reported in the literature in individuals affected with STAT5B-related conditions. Experimental studies and prediction algorithms are not available or were not evaluated, and the functional significance of this variant is currently unknown. In summary, the available evidence is currently insufficient to determine the role of this variant in disease. Therefore, it has been classified as a Variant of Uncertain Significance.